The following is an entry in ClinVar:

ClinVar aggregate classification (germline): Uncertain significance. Review status: criteria provided, multiple submitters, no conflicts (2 of 4 stars). 2 submissions from 2 submitters: Uncertain significance (2). Last evaluated 2026-07-06.

Conditions:
Oligodontia-cancer predisposition syndrome. Also called: TOOTH AGENESIS-COLORECTAL CANCER SYNDROME. Identifiers: Orphanet 300576, MedGen C1837750, MONDO:0012075, OMIM 608615. Disease mechanism: loss of function.
Hereditary cancer-predisposing syndrome. Also called: Hereditary Cancer Syndrome; Hereditary neoplastic syndrome; Neoplastic Syndromes, Hereditary; Tumor predisposition. Identifiers: Orphanet 140162, MedGen C0027672, MeSH D009386, MONDO:0015356.

Allele frequency attached by ClinVar (database versions not stated): gnomAD exomes below 0.00001.
gnomAD v4.1: 3 of 1,606,660 alleles (0.00019%); highest among the groups gnomAD compares: Non-Finnish European, 0.00025%; no homozygotes.

Submissions (2):

Ambry Genetics
Classification: Uncertain significance for Hereditary cancer-predisposing syndrome. Last evaluated: 2026-07-06. Review status: criteria provided, single submitter. Criteria: Ambry Variant Classification Scheme 2023. Collection method: clinical testing. Allele origin: germline.
Comment: The p.S3N variant (also known as c.8G>A), located in coding exon 1 of the AXIN2 gene, results from a G to A substitution at nucleotide position 8. The serine at codon 3 is replaced by asparagine, an amino acid with highly similar properties. This amino acid position is conserved. In addition, this alteration is predicted to be tolerated by in silico analysis. Based on the available evidence, the clinical significance of this variant remains unclear.

Labcorp Genetics (formerly Invitae), Labcorp
Classification: Uncertain significance for Oligodontia-cancer predisposition syndrome. Last evaluated: 2023-06-04. Review status: criteria provided, single submitter. Criteria: Invitae Variant Classification Sherloc (09022015). Collection method: clinical testing. Allele origin: germline.
Comment: In summary, the available evidence is currently insufficient to determine the role of this variant in disease. Therefore, it has been classified as a Variant of Uncertain Significance. An algorithm developed to predict the effect of missense changes on protein structure and function (PolyPhen-2) suggests that this variant is likely to be disruptive. This variant has not been reported in the literature in individuals affected with AXIN2-related conditions. This variant is not present in population databases (gnomAD no frequency). This sequence change replaces serine, which is neutral and polar, with asparagine, which is neutral and polar, at codon 3 of the AXIN2 protein (p.Ser3Asn).

NM_004655.4(AXIN2):c.8G>A (p.Ser3Asn)

Gene: AXIN2 (axin 2; minus strand). Cytogenetic location: 17q24.1.
Variant type: single nucleotide variant.
Coding change: c.8G>A on transcript NM_004655.4 (MANE Select); coding-DNA position 8, G replaced by A.
Protein change: p.Ser3Asn; replaces serine 3 with asparagine.
Molecular consequence: missense variant.
Genome position (GRCh38, 1-based): chr17:65,558,613, C>T on the plus strand (G>A on the coding strand, the complement: AXIN2 is on the minus strand). VCF-style: chr17-65558613-C-T. GRCh37 (hg19) VCF-style: chr17-63554731-C-T.
Other names: c.8G>A, p.Ser3Asn (NM_001363813.1); short protein forms S3N.
Identifiers: ClinVar variation 2959851 (VCV002959851.4), dbSNP rs1598120506, ClinGen allele CA400682508.